The following is an entry in ClinVar:

ClinVar aggregate classification (germline): Uncertain significance. Review status: criteria provided, multiple submitters, no conflicts (2 of 4 stars). 4 submissions from 4 submitters: Uncertain significance (4). Last evaluated 2026-01-30.

Conditions:
PCNT-related disorder. Also called: PCNT-related condition.
Microcephalic osteodysplastic primordial dwarfism type II (MOPD2). Also called: MOPD II; OSTEODYSPLASTIC PRIMORDIAL DWARFISM, TYPE II; Microcephalic osteodysplastic primordial dwarfism with tooth abnormalities. Identifiers: Orphanet 2637, MedGen C0432246, MONDO:0008872, OMIM 210720.

Allele frequency attached by ClinVar (database versions not stated): TOPMed 0.00008.
gnomAD v4.1: 8 of 1,614,108 alleles (0.0005%); highest among the groups gnomAD compares: Admixed American, 0.005%; no homozygotes.

Submissions (4):

PreventionGenetics, part of Exact Sciences
Classification: Uncertain significance for PCNT-related condition. Last evaluated: 2026-01-30. Review status: criteria provided, single submitter. Criteria: ACMG Guidelines, 2015. Collection method: clinical testing. Allele origin: germline.
Comment: The PCNT c.321G>T variant is predicted to result in the amino acid substitution p.Lys107Asn. To our knowledge, this variant has not been reported in the literature. This variant is reported in 0.0062% of alleles in individuals of African descent in gnomAD. At this time, the clinical significance of this variant is uncertain due to the absence of conclusive functional and genetic evidence.

Labcorp Genetics (formerly Invitae), Labcorp
Classification: Uncertain significance. Last evaluated: 2022-05-27. Review status: criteria provided, single submitter. Criteria: Invitae Variant Classification Sherloc (09022015). Collection method: clinical testing. Allele origin: germline.
Comment: This sequence change replaces lysine, which is basic and polar, with asparagine, which is neutral and polar, at codon 107 of the PCNT protein (p.Lys107Asn). This variant is present in population databases (no rsID available, gnomAD 0.007%). This variant has not been reported in the literature in individuals affected with PCNT-related conditions. ClinVar contains an entry for this variant (Variation ID: 211852). Algorithms developed to predict the effect of missense changes on protein structure and function (SIFT, PolyPhen-2, Align-GVGD) all suggest that this variant is likely to be tolerated. In summary, the available evidence is currently insufficient to determine the role of this variant in disease. Therefore, it has been classified as a Variant of Uncertain Significance.

Fulgent Genetics
Classification: Uncertain significance for Microcephalic osteodysplastic primordial dwarfism type II. Last evaluated: 2018-10-31. Review status: criteria provided, single submitter. Criteria: ACMG Guidelines, 2015. Collection method: clinical testing. Allele origin: unknown.

Genetic Services Laboratory, University of Chicago
Classification: Uncertain significance. Last evaluated: 2015-08-03. Review status: criteria provided, single submitter. Criteria: ACMG Guidelines, 2015. Collection method: clinical testing. Allele origin: germline.

NM_006031.6(PCNT):c.321G>T (p.Lys107Asn)

Gene: PCNT (pericentrin; plus strand). Cytogenetic location: 21q22.3.
Variant type: single nucleotide variant.
Coding change: c.321G>T on transcript NM_006031.6 (MANE Select); coding-DNA position 321, G replaced by T.
Protein change: p.Lys107Asn; replaces lysine 107 with asparagine.
Molecular consequence: missense variant. On other transcripts: 5 prime UTR variant (1).
Genome position (GRCh38, 1-based): chr21:46,334,450, G>T. VCF-style: chr21-46334450-G-T. GRCh37 (hg19) VCF-style: chr21-47754364-G-T.
Other names: c.-34G>T (NM_001315529.2); short protein forms K107N.
Identifiers: ClinVar variation 211852 (VCV000211852.12), dbSNP rs138834119, ClinGen allele CA206405.
Genomic context (GRCh38, chr21:46,334,450, plus strand): 5'-TTCTTAGCCGGAGGACTGTGATGGAGAGAAGAGAGAGGACTTGGAACAGCTGCAGCAGAA[G>T]CAAGTCAATGACCATCCTCCAGAGCAGTGTGGGATGTTCACAGTCAGTGACCACCCACCA-3'
Protein context (NP_006022.3, residues 97-117): KREDLEQLQQ[Lys107Asn]QVNDHPPEQC